The following is an entry in ClinVar:

NM_000525.4(KCNJ11):c.928dup (p.Leu310fs)

Gene: KCNJ11 (potassium inwardly rectifying channel subfamily J member 11; minus strand). Cytogenetic location: 11p15.1.
Variant type: Duplication.
Coding change: c.928dup on transcript NM_000525.4 (MANE Select); coding-DNA position 928, one base duplicated (C; older notation c.928dupC).
Protein change: p.Leu310fs; shifts the reading frame from leucine 310.
Molecular consequence: frameshift variant.
Genome position (GRCh38, 1-based): chr11:17,387,164, G duplicated on the plus strand (C on the coding strand, the reverse complement: KCNJ11 is on the minus strand); the first of 2 consecutive G bases (chr11:17,387,164-17,387,165); duplicating either gives the same sequence. VCF-style (leftmost placement, unchanged base first): chr11-17387163-A-AG. GRCh37 (hg19) VCF-style: chr11-17408710-A-AG.
Other names: c.667dup, p.Leu223fs (NM_001166290.2, NM_001377296.1, NM_001377297.1); short protein forms L223fs, L310fs.
Identifiers: ClinVar variation 4849669 (VCV004849669.1).
Genomic context (GRCh38, chr11:17,387,163, plus strand): 5'-TAGTCCACAGAGTAACGTCCGTCCTCCTCAGCTACAATGGGCACAAAGCGCTGGCCCCAC[A>AG]GGATCTCATCGGCCAGGTAGGAGGTGCGGGCCTGGGTGGTGATGCCCGTGGTTTCCACCA-3'

ClinVar aggregate classification (germline): Likely pathogenic (1 of 4 stars; one submission).

Conditions:
Hyperinsulinemic hypoglycemia, familial, 2. Also called: HYPERINSULINEMIC HYPOGLYCEMIA, PERSISTENT; HYPERINSULINISM, NEONATAL. Identifiers: Orphanet 276580, Orphanet 276603, MedGen C2931833, MONDO:0011153, OMIM 601820. Disease mechanism: loss of function.

Submission:

Diagnostics Services (NGS), CSIR - Centre For Cellular And Molecular Biology
Classification: Likely pathogenic for Hyperinsulinemic hypoglycemia, familial, 2. Last evaluated: 2025-11-28. Review status: criteria provided, single submitter. Criteria: ACMG Guidelines, 2015. Collection method: clinical testing. Allele origin: germline. Affected: yes. Observed: 1 variant allele, 1 heterozygote.
Comment: The c.928dup variant is not present in publicly available population databases like 1000 Genomes, EVS, gnomAD, Indian Exome Database or our internal database. This variant has neither been published in the literature for KCNJ11-related conditions nor reported to the clinical databases like Human Genome Mutation Database (HGMD), OMIM, or ClinVar, in any affected individuals. In-silico pathogenicity prediction programs like MutationTaster2021, CADD, Franklin, Varsome etc predicted this variant to be likely deleterious. This variant causes frameshift at the 310th amino acid position of the wild-type transcript which creates a premature translational stop signal at the altered transcript that may either result in translation of a truncated protein or cause nonsense mediated decay of the mRNA.